The following is an entry in ClinVar:

NM_016277.5(RAB23):c.617C>T (p.Ser206Leu)

Gene: RAB23 (RAB23, member RAS oncogene family; minus strand). Cytogenetic location: 6p12.1.
Variant type: single nucleotide variant.
Coding change: c.617C>T on transcript NM_016277.5 (MANE Select); coding-DNA position 617, C replaced by T.
Protein change: p.Ser206Leu; replaces serine 206 with leucine.
Molecular consequence: missense variant. On other transcripts: non-coding transcript variant (1).
Genome position (GRCh38, 1-based): chr6:57,190,558, G>A on the plus strand (C>T on the coding strand, the complement: RAB23 is on the minus strand). VCF-style: chr6-57190558-G-A. GRCh37 (hg19) VCF-style: chr6-57055356-G-A.
Other names: c.617C>T, p.Ser206Leu (NM_001278666.2, NM_001278667.2, NM_001278668.2 and 1 more transcripts); short protein forms S206L.
Identifiers: ClinVar variation 4978958 (VCV004978958.1).

ClinVar aggregate classification (germline): Uncertain significance (1 of 4 stars; one submission).

Conditions:
RAB23-related disorder. Also called: RAB23-related condition.

gnomAD v4.1: 9 of 1,613,748 alleles (0.00056%); highest among the groups gnomAD compares: Non-Finnish European, 0.00068%; no homozygotes.

Submission:

PreventionGenetics, part of Exact Sciences
Classification: Uncertain significance for RAB23-related condition. Last evaluated: 2025-05-08. Review status: criteria provided, single submitter. Criteria: ACMG Guidelines, 2015. Collection method: clinical testing. Allele origin: germline.
Comment: The RAB23 c.617C>T variant is predicted to result in the amino acid substitution p.Ser206Leu. To our knowledge, this variant has not been reported in the literature. This variant is reported in 0.00088% of alleles in individuals of European (Non-Finnish) descent in gnomAD. At this time, the clinical significance of this variant is uncertain due to the absence of conclusive functional and genetic evidence.